The following is an entry in ClinVar:

NM_000051.4(ATM):c.1235+5A>G

Gene: ATM (ATM serine/threonine kinase; plus strand). Cytogenetic location: 11q22.3.
Variant type: single nucleotide variant.
Coding change: c.1235+5A>G on transcript NM_000051.4 (MANE Select); 5 bases into the intron after coding-DNA position 1235, A replaced by G.
Molecular consequence: intron variant.
Genome position (GRCh38, 1-based): chr11:108,249,107, A>G. VCF-style: chr11-108249107-A-G. GRCh37 (hg19) VCF-style: chr11-108119834-A-G.
Other names: c.1235+5A>G (NM_001351834.2).
Identifiers: ClinVar variation 1492428 (VCV001492428.3), dbSNP rs1064793679, ClinGen allele CA2573146549.

ClinVar aggregate classification (germline): Uncertain significance (1 of 4 stars; one submission).

Conditions:
Ataxia-telangiectasia syndrome (AT). Also called: LOUIS-BAR SYNDROME; Ataxia-telangiectasia; Cerebello-oculocutaneous telangiectasia; Immunodeficiency with ataxia telangiectasia; ATAXIA-TELANGIECTASIA, COMPLEMENTATION GROUP A; ATAXIA-TELANGIECTASIA, FRESNO VARIANT. Identifiers: Orphanet 100, MedGen C0004135, MONDO:0008840, OMIM 208900.

Submission:

Labcorp Genetics (formerly Invitae), Labcorp
Classification: Uncertain significance for Ataxia-telangiectasia syndrome. Last evaluated: 2021-05-18. Review status: criteria provided, single submitter. Criteria: Invitae Variant Classification Sherloc (09022015). Collection method: clinical testing. Allele origin: germline.
Comment: This sequence change falls in intron 9 of the ATM gene. It does not directly change the encoded amino acid sequence of the ATM protein. It affects a nucleotide within the consensus splice site of the intron. This variant is not present in population databases (ExAC no frequency). This variant has not been reported in the literature in individuals with ATM-related conditions. Nucleotide substitutions within the consensus splice site are a relatively common cause of aberrant splicing (PMID: 17576681, 9536098). Algorithms developed to predict the effect of sequence changes on RNA splicing suggest that this variant may create or strengthen a splice site, but this prediction has not been confirmed by published transcriptional studies. In summary, the available evidence is currently insufficient to determine the role of this variant in disease. Therefore, it has been classified as a Variant of Uncertain Significance.

Literature cited by the submitters: PubMed 17576681; PubMed 9536098.